The following is an entry in ClinVar:

ClinVar aggregate classification (germline): Uncertain significance (1 of 4 stars; one submission).

Allele frequency attached by ClinVar (database versions not stated): gnomAD exomes below 0.00001; TOPMed 0.00001.
gnomAD v4.1: 3 of 1,613,794 alleles (0.00019%); highest among the groups gnomAD compares: Admixed American, 0.0017%; no homozygotes.

Submission:

Labcorp Genetics (formerly Invitae), Labcorp
Classification: Uncertain significance. Last evaluated: 2024-12-09. Review status: criteria provided, single submitter. Criteria: Invitae Variant Classification Sherloc (09022015). Collection method: clinical testing. Allele origin: germline.
Comment: This sequence change replaces alanine, which is neutral and non-polar, with valine, which is neutral and non-polar, at codon 329 of the MKL1 protein (p.Ala329Val). The frequency data for this variant in the population databases is considered unreliable, as metrics indicate poor data quality at this position in the gnomAD database. This variant has not been reported in the literature in individuals affected with MKL1-related conditions. ClinVar contains an entry for this variant (Variation ID: 1919991). An algorithm developed to predict the effect of missense changes on protein structure and function outputs the following: PolyPhen-2: "Benign". The valine amino acid residue is found in multiple mammalian species, which suggests that this missense change does not adversely affect protein function. In summary, the available evidence is currently insufficient to determine the role of this variant in disease. Therefore, it has been classified as a Variant of Uncertain Significance.

NM_020831.6(MRTFA):c.1286C>T (p.Ala429Val)

Gene: MRTFA (myocardin related transcription factor A; minus strand). Cytogenetic location: 22q13.1.
Variant type: single nucleotide variant.
Coding change: c.1286C>T on transcript NM_020831.6 (MANE Select); coding-DNA position 1286, C replaced by T.
Protein change: p.Ala429Val; replaces alanine 429 with valine.
Molecular consequence: missense variant.
Genome position (GRCh38, 1-based): chr22:40,420,472, G>A on the plus strand (C>T on the coding strand, the complement: MRTFA is on the minus strand). VCF-style: chr22-40420472-G-A. GRCh37 (hg19) VCF-style: chr22-40816476-G-A.
Other names: c.986C>T, p.Ala329Val (NM_001282660.2); c.1136C>T, p.Ala379Val (NM_001282661.3); c.1286C>T, p.Ala429Val (NM_001282662.3); c.1091C>T, p.Ala364Val (NM_001318139.2); short protein forms A364V, A379V, A429V, A329V.
Identifiers: ClinVar variation 1919991 (VCV001919991.5), dbSNP rs1034649480, ClinGen allele CA324470308.